The following is an entry in ClinVar:

ClinVar aggregate classification (germline): Conflicting classifications of pathogenicity. Review status: criteria provided, conflicting classifications (1 of 4 stars). 2 submissions from 2 submitters: Uncertain significance (1); Likely benign (1). Last evaluated 2024-11-23.

Allele frequency attached by ClinVar (database versions not stated): ExAC 0.00002; gnomAD 0.00002; gnomAD exomes 0.00002 and 0.00003; TOPMed 0.00002.
gnomAD v4.1: 45 of 1,613,828 alleles (0.0028%); highest among the groups gnomAD compares: Non-Finnish European, 0.0035%; no homozygotes.

Submissions (2):

Labcorp Genetics (formerly Invitae), Labcorp
Classification: Uncertain significance. Last evaluated: 2024-11-23. Review status: criteria provided, single submitter. Criteria: Invitae Variant Classification Sherloc (09022015). Collection method: clinical testing. Allele origin: germline.
Comment: This sequence change replaces arginine, which is basic and polar, with histidine, which is basic and polar, at codon 1223 of the ARID1A protein (p.Arg1223His). This variant is present in population databases (rs768377977, gnomAD 0.004%). This variant has not been reported in the literature in individuals affected with ARID1A-related conditions. ClinVar contains an entry for this variant (Variation ID: 434341). Invitae Evidence Modeling of protein sequence and biophysical properties (such as structural, functional, and spatial information, amino acid conservation, physicochemical variation, residue mobility, and thermodynamic stability) has been performed for this missense variant. However, the output from this modeling did not meet the statistical confidence thresholds required to predict the impact of this variant on ARID1A protein function. In summary, the available evidence is currently insufficient to determine the role of this variant in disease. Therefore, it has been classified as a Variant of Uncertain Significance.

Genetic Services Laboratory, University of Chicago
Classification: Likely benign. Last evaluated: 2015-12-21. Review status: criteria provided, single submitter. Criteria: ACMG Guidelines, 2015. Collection method: clinical testing. Allele origin: germline. Affected: no.

NM_006015.6(ARID1A):c.3668G>A (p.Arg1223His)

Genes: ARID1A (AT-rich interaction domain 1A; plus strand), LOC126805670 (CDK7 strongly-dependent group 2 enhancer GRCh37_chr1:27098665-27099864; plus strand). Cytogenetic location: 1p36.11.
Variant type: single nucleotide variant.
Coding change: c.3668G>A on transcript NM_006015.6 (MANE Select); coding-DNA position 3668, G replaced by A.
Protein change: p.Arg1223His; replaces arginine 1223 with histidine.
Molecular consequence: missense variant.
Genome position (GRCh38, 1-based): chr1:26,772,940, G>A. VCF-style: chr1-26772940-G-A. GRCh37 (hg19) VCF-style: chr1-27099431-G-A.
Other names: c.3668G>A (LRG_875t1); c.3668G>A, p.Arg1223His (NM_139135.4); short protein forms R1223H.
Identifiers: ClinVar variation 434341 (VCV000434341.8), dbSNP rs768377977, ClinGen allele CA707261.